The following is an entry in ClinVar:

ClinVar aggregate classification (germline): Uncertain significance. Review status: criteria provided, multiple submitters, no conflicts (2 of 4 stars). 2 submissions from 2 submitters: Uncertain significance (2). Last evaluated 2025-11-05.

Conditions:
Bloom syndrome (BLM). Also called: Bloom-Torre-Machacek syndrome. Identifiers: Orphanet 125, MedGen C0005859, MONDO:0008876, OMIM 210900.
Hereditary cancer-predisposing syndrome. Also called: Neoplastic Syndromes, Hereditary; Hereditary neoplastic syndrome; Tumor predisposition; Hereditary Cancer Syndrome. Identifiers: Orphanet 140162, MedGen C0027672, MeSH D009386, MONDO:0015356.

Submissions (2):

Labcorp Genetics (formerly Invitae), Labcorp
Classification: Uncertain significance for Bloom syndrome. Last evaluated: 2025-11-05. Review status: criteria provided, single submitter. Criteria: Invitae Variant Classification Sherloc (09022015). Collection method: clinical testing. Allele origin: germline.
Comment: This sequence change replaces leucine, which is neutral and non-polar, with valine, which is neutral and non-polar, at codon 77 of the BLM protein (p.Leu77Val). This variant is not present in population databases (gnomAD no frequency). This variant has not been reported in the literature in individuals affected with BLM-related conditions. ClinVar contains an entry for this variant (Variation ID: 524783). An algorithm developed to predict the effect of missense changes on protein structure and function (PolyPhen-2) suggests that this variant is likely to be tolerated. In summary, the available evidence is currently insufficient to determine the role of this variant in disease. Therefore, it has been classified as a Variant of Uncertain Significance.

Ambry Genetics
Classification: Uncertain significance for Hereditary cancer-predisposing syndrome. Last evaluated: 2025-06-23. Review status: criteria provided, single submitter. Criteria: Ambry Variant Classification Scheme 2023. Collection method: clinical testing. Allele origin: germline.
Comment: The p.L77V variant (also known as c.229C>G), located in coding exon 2 of the BLM gene, results from a C to G substitution at nucleotide position 229. The leucine at codon 77 is replaced by valine, an amino acid with highly similar properties. This amino acid position is conserved. In addition, this alteration is predicted to be tolerated by in silico analysis. Based on the available evidence, the clinical significance of this variant remains unclear.

NM_000057.4(BLM):c.229C>G (p.Leu77Val)

Gene: BLM (BLM RecQ like helicase; plus strand). Cytogenetic location: 15q26.1.
Variant type: single nucleotide variant.
Coding change: c.229C>G on transcript NM_000057.4 (MANE Select); coding-DNA position 229, C replaced by G.
Protein change: p.Leu77Val; replaces leucine 77 with valine.
Molecular consequence: missense variant. On other transcripts: 5 prime UTR variant (1).
Genome position (GRCh38, 1-based): chr15:90,749,497, C>G. VCF-style: chr15-90749497-C-G. GRCh37 (hg19) VCF-style: chr15-91292727-C-G.
Other names: c.229C>G (NM_000057.2); c.229C>G, p.Leu77Val (NM_001287246.2, NM_001287247.2); c.-1063C>G (NM_001287248.2); short protein forms L77V.
Identifiers: ClinVar variation 524783 (VCV000524783.9), dbSNP rs1555418283, ClinGen allele CA393839859.